The following is an entry in ClinVar:

NM_002087.4(GRN):c.1088_1112del (p.Asp363fs)

Gene: GRN (granulin precursor; plus strand). Cytogenetic location: 17q21.31.
Variant type: Deletion.
Coding change: c.1088_1112del on transcript NM_002087.4 (MANE Select); coding-DNA positions 1088 to 1112, 25 bases deleted (ATGTCCCCTGTGATAATGTCAGCAG).
Protein change: p.Asp363fs; shifts the reading frame from aspartic acid 363.
Molecular consequence: frameshift variant.
Genome position (GRCh38, 1-based): chr17:44,351,704-44,351,728, ATGTCCCCTGTGATAATGTCAGCAG deleted; deleting any 25 consecutive bases within chr17:44,351,702-44,351,728 gives the same sequence; the c. name uses the placement nearest the transcript's 3' end. VCF-style (leftmost placement, unchanged base first): chr17-44351701-GAGATGTCCCCTGTGATAATGTCAGC-G. GRCh37 (hg19) VCF-style: chr17-42429069-GAGATGTCCCCTGTGATAATGTCAGC-G.
Other names: short protein forms D363fs.
Identifiers: ClinVar variation 3390851 (VCV003390851.2).

ClinVar aggregate classification (germline): Likely pathogenic (0 of 4 stars; one submission).

Conditions:
GRN-related frontotemporal lobar degeneration with Tdp43 inclusions (FTD2). Also called: DEMENTIA, HEREDITARY DYSPHASIC DISINHIBITION; FRONTOTEMPORAL LOBAR DEGENERATION WITH UBIQUITIN-POSITIVE INCLUSIONS; FTLD-TDP, GRN-RELATED; GRN Frontotemporal Dementia; FRONTOTEMPORAL DEMENTIA WITH TDP43 INCLUSIONS, GRN-RELATED. Identifiers: Orphanet 100070, Orphanet 282, MedGen C1843792, MONDO:0011842, OMIM 607485. Disease mechanism: loss of function.

Submission:

Department of Medicine, Surgery and Dentistry, Scuola Medica Salernitana, University of Salerno
Classification: Likely pathogenic for GRN-related frontotemporal lobar degeneration with Tdp43 inclusions. Review status: no assertion criteria provided. Collection method: clinical testing. Allele origin: de novo. Inheritance: Autosomal dominant inheritance. Affected: yes. Observed: 1 heterozygote.
Comment: This variant introduce a premature stop codon in mRNA traduction it would be consider likely pathogenic